The following is an entry in ClinVar:

NM_001253697.2(ERBIN):c.477A>G (p.Arg159=)

Gene: ERBIN (erbb2 interacting protein; plus strand). Cytogenetic location: 5q12.3.
Variant type: single nucleotide variant.
Coding change: c.477A>G on transcript NM_001253697.2 (MANE Select); coding-DNA position 477, A replaced by G.
Protein change: p.Arg159=; no amino-acid change (arginine 159 retained).
Molecular consequence: synonymous variant.
Genome position (GRCh38, 1-based): chr5:66,014,669, A>G. VCF-style: chr5-66014669-A-G. GRCh37 (hg19) VCF-style: chr5-65310497-A-G.
Other names: c.477A>G, p.Arg159= (NM_001006600.3, NM_001253698.2, NM_001253699.2 and 2 more transcripts).
Identifiers: ClinVar variation 3699011 (VCV003699011.2).

ClinVar aggregate classification (germline): Uncertain significance (1 of 4 stars; one submission).

gnomAD v4.1: 6 of 1,377,182 alleles (0.00044%); highest among the groups gnomAD compares: Non-Finnish European, 0.0006%; no homozygotes.

Submission:

Labcorp Genetics (formerly Invitae), Labcorp
Classification: Uncertain significance. Last evaluated: 2025-08-07. Review status: criteria provided, single submitter. Criteria: Invitae Variant Classification Sherloc (09022015). Collection method: clinical testing. Allele origin: germline.
Comment: This sequence change affects codon 159 of the ERBIN mRNA. It is a 'silent' change, meaning that it does not change the encoded amino acid sequence of the ERBIN protein. It affects a nucleotide within the consensus splice site. This variant is present in population databases (no rsID available, gnomAD 0.001%). This variant has not been reported in the literature in individuals affected with ERBIN-related conditions. ClinVar contains an entry for this variant (Variation ID: 3699011). Algorithms developed to predict the effect of sequence changes on RNA splicing suggest that this variant is not likely to affect RNA splicing. In summary, the available evidence is currently insufficient to determine the role of this variant in disease. Therefore, it has been classified as a Variant of Uncertain Significance.